The following is an entry in ClinVar:

NM_000179.3(MSH6):c.2643T>A (p.Gly881=)

Gene: MSH6 (mutS homolog 6; plus strand). Cytogenetic location: 2p16.3.
Variant type: single nucleotide variant.
Coding change: c.2643T>A on transcript NM_000179.3 (MANE Select); coding-DNA position 2643, T replaced by A.
Protein change: p.Gly881=; no amino-acid change (glycine 881 retained).
Molecular consequence: synonymous variant.
Genome position (GRCh38, 1-based): chr2:47,800,626, T>A. VCF-style: chr2-47800626-T-A. GRCh37 (hg19) VCF-style: chr2-48027765-T-A.
Other names: c.2253T>A, p.Gly751= (NM_001281492.2); c.1737T>A, p.Gly579= (NM_001281493.2, NM_001281494.2).
Identifiers: ClinVar variation 821622 (VCV000821622.10), dbSNP rs1572727980, ClinGen allele CA426121926.

ClinVar aggregate classification (germline): Benign/Likely benign. Review status: criteria provided, multiple submitters, no conflicts (2 of 4 stars). 3 submissions from 3 submitters: Benign (1); Likely benign (2). Last evaluated 2024-12-31.

Conditions:
Hereditary nonpolyposis colorectal neoplasms. Identifiers: MedGen C0009405, MeSH D003123.
Lynch syndrome 5 (LYNCH5). Also called: Colorectal cancer, hereditary nonpolyposis, type 5; Hereditary non-polyposis colorectal cancer, type 5. Identifiers: Orphanet 144, MedGen C1833477, MONDO:0013710, OMIM 614350. Disease mechanism: loss of function.
Hereditary cancer-predisposing syndrome. Also called: Tumor predisposition; Hereditary Cancer Syndrome; Neoplastic Syndromes, Hereditary; Hereditary neoplastic syndrome. Identifiers: Orphanet 140162, MedGen C0027672, MeSH D009386, MONDO:0015356.

Submissions (3):

Myriad Genetics, Inc.
Classification: Benign for Lynch syndrome 5. Last evaluated: 2024-12-31. Review status: criteria provided, single submitter. Criteria: Myriad Autosomal Dominant, Autosomal Recessive and X-Linked Classification Criteria (2023). Collection method: clinical testing. Allele origin: unknown.
Comment: This variant is considered benign. This variant is a silent/synonymous amino acid change and it is not expected to impact splicing.

Labcorp Genetics (formerly Invitae), Labcorp
Classification: Likely benign for Hereditary nonpolyposis colorectal neoplasms. Last evaluated: 2024-02-09. Review status: criteria provided, single submitter. Criteria: Invitae Variant Classification Sherloc (09022015). Collection method: clinical testing. Allele origin: germline.

Ambry Genetics
Classification: Likely benign for Hereditary cancer-predisposing syndrome. Last evaluated: 2019-08-19. Review status: criteria provided, single submitter. Criteria: Ambry Variant Classification Scheme 2023. Collection method: clinical testing. Allele origin: germline.